The following is an entry in ClinVar:

ClinVar aggregate classification (germline): Uncertain significance (1 of 4 stars; one submission).

Submission:

Women's Health and Genetics/Laboratory Corporation of America, LabCorp
Classification: Uncertain significance. Last evaluated: 2025-01-13. Review status: criteria provided, single submitter. Criteria: LabCorp Variant Classification Summary - May 2015. Collection method: clinical testing. Allele origin: germline.
Comment: Variant summary: SACS c.13361C>A (p.Ala4454Asp) results in a non-conservative amino acid change located in the Nucleotidyltransferases domain 2 of the encoded protein sequence. Five of five in-silico tools predict a damaging effect of the variant on protein function. The variant was absent in 251064 control chromosomes. The available data on variant occurrences in the general population are insufficient to allow any conclusion about variant significance. To our knowledge, no occurrence of c.13361C>A in individuals affected with Charlevoix-Saguenay spastic ataxia and no experimental evidence demonstrating its impact on protein function have been reported. No submitters have cited clinical-significance assessments for this variant to ClinVar. Based on the evidence outlined above, the variant was classified as uncertain significance.

NM_014363.6(SACS):c.13361C>A (p.Ala4454Asp)

Gene: SACS (sacsin molecular chaperone; minus strand). Cytogenetic location: 13q12.12.
Variant type: single nucleotide variant.
Coding change: c.13361C>A on transcript NM_014363.6 (MANE Select); coding-DNA position 13361, C replaced by A.
Protein change: p.Ala4454Asp; replaces alanine 4454 with aspartic acid.
Molecular consequence: missense variant.
Genome position (GRCh38, 1-based): chr13:23,330,515, G>T on the plus strand (C>A on the coding strand, the complement: SACS is on the minus strand). VCF-style: chr13-23330515-G-T. GRCh37 (hg19) VCF-style: chr13-23904654-G-T.
Other names: c.12920C>A, p.Ala4307Asp (NM_001278055.2); short protein forms A4307D, A4454D.
Identifiers: ClinVar variation 3769142 (VCV003769142.2).